The following is an entry in ClinVar:

NM_021975.4(RELA):c.1304C>T (p.Thr435Met)

Gene: RELA (RELA proto-oncogene, NF-kB subunit; minus strand). Cytogenetic location: 11q13.1.
Variant type: single nucleotide variant.
Coding change: c.1304C>T on transcript NM_021975.4 (MANE Select); coding-DNA position 1304, C replaced by T.
Protein change: p.Thr435Met; replaces threonine 435 with methionine.
Molecular consequence: missense variant. On other transcripts: intron variant (1).
Genome position (GRCh38, 1-based): chr11:65,654,730, G>A on the plus strand (C>T on the coding strand, the complement: RELA is on the minus strand). VCF-style: chr11-65654730-G-A. GRCh37 (hg19) VCF-style: chr11-65422201-G-A.
Other names: c.1337C>T, p.Thr446Met (NM_001404657.1); c.1277C>T, p.Thr426Met (NM_001404658.1); c.1091C>T, p.Thr364Met (NM_001404659.1); c.986C>T, p.Thr329Met (NM_001404660.1); c.923C>T, p.Thr308Met (NM_001404661.1); c.1211C>T, p.Thr404Met (NM_001404662.1, NM_001404663.1); c.1215+89C>T (NM_001243985.2); c.1304C>T (NM_021975.3); and 2 more; short protein forms T329M, T404M, T432M, T435M, T446M, T426M, T308M, T364M.
Identifiers: ClinVar variation 1928512 (VCV001928512.6), dbSNP rs555785944, ClinGen allele CA6106621.

ClinVar aggregate classification (germline): Uncertain significance. Review status: criteria provided, multiple submitters, no conflicts (2 of 4 stars). 2 submissions from 2 submitters: Uncertain significance (2). Last evaluated 2025-11-27.

Allele frequency attached by ClinVar (database versions not stated): TOPMed 0.00001; gnomAD 0.00005; ExAC 0.00007; 1000 Genomes Project 30x 0.00016; 1000 Genomes Project 0.00020.
gnomAD v4.1: 24 of 1,525,922 alleles (0.0016%); highest among the groups gnomAD compares: African/African-American, 0.011%; no homozygotes.

Submissions (2):

Labcorp Genetics (formerly Invitae), Labcorp
Classification: Uncertain significance. Last evaluated: 2025-11-27. Review status: criteria provided, single submitter. Criteria: Invitae Variant Classification Sherloc (09022015). Collection method: clinical testing. Allele origin: germline.
Comment: This sequence change replaces threonine, which is neutral and polar, with methionine, which is neutral and non-polar, at codon 435 of the RELA protein (p.Thr435Met). The frequency data for this variant in the population databases is considered unreliable, as metrics indicate poor data quality at this position in the gnomAD database. This variant has not been reported in the literature in individuals affected with RELA-related conditions. ClinVar contains an entry for this variant (Variation ID: 1928512). An algorithm developed to predict the effect of missense changes on protein structure and function (PolyPhen-2) suggests that this variant is likely to be tolerated. In summary, the available evidence is currently insufficient to determine the role of this variant in disease. Therefore, it has been classified as a Variant of Uncertain Significance.

Ambry Genetics
Classification: Uncertain significance. Last evaluated: 2025-05-19. Review status: criteria provided, single submitter. Criteria: Ambry Variant Classification Scheme 2023. Collection method: clinical testing. Allele origin: germline.